The following is an entry in ClinVar:

ClinVar aggregate classification (germline): Uncertain significance (1 of 4 stars; one submission).

Submission:

Labcorp Genetics (formerly Invitae), Labcorp
Classification: Uncertain significance. Last evaluated: 2022-04-08. Review status: criteria provided, single submitter. Criteria: Invitae Variant Classification Sherloc (09022015). Collection method: clinical testing. Allele origin: germline.
Comment: This variant, c.431_433del, results in the deletion of 1 amino acid(s) of the C1QBP protein (p.Asp144del), but otherwise preserves the integrity of the reading frame. This variant is not present in population databases (gnomAD no frequency). This variant has not been reported in the literature in individuals affected with C1QBP-related conditions. Experimental studies and prediction algorithms are not available or were not evaluated, and the functional significance of this variant is currently unknown. In summary, the available evidence is currently insufficient to determine the role of this variant in disease. Therefore, it has been classified as a Variant of Uncertain Significance.

NM_001212.4(C1QBP):c.431_433del (p.Asp144del)

Gene: C1QBP (complement C1q binding protein; minus strand). Cytogenetic location: 17p13.2.
Variant type: Deletion.
Coding change: c.431_433del on transcript NM_001212.4 (MANE Select); coding-DNA positions 431 to 433, 3 bases deleted (ATG; older notation c.431_433delATG).
Protein change: p.Asp144del; deletes aspartic acid 144.
Molecular consequence: inframe deletion.
Genome position (GRCh38, 1-based): chr17:5,434,917-5,434,919, CAT deleted on the plus strand (ATG on the coding strand, the reverse complement: C1QBP is on the minus strand); deleting any 3 consecutive bases within chr17:5,434,917-5,434,921 gives the same sequence; the c. name uses the placement nearest the transcript's 3' end. VCF-style (leftmost placement, unchanged base first): chr17-5434916-CCAT-C. GRCh37 (hg19) VCF-style: chr17-5338236-CCAT-C.
Other names: short protein forms D144del.
Identifiers: ClinVar variation 2123330 (VCV002123330.4), dbSNP rs1183480096, ClinGen allele CA773127522.